The following is an entry in ClinVar:

NM_004984.4(KIF5A):c.1963C>T (p.Arg655Trp)

Gene: KIF5A (kinesin family member 5A; plus strand). Cytogenetic location: 12q13.3.
Variant type: single nucleotide variant.
Coding change: c.1963C>T on transcript NM_004984.4 (MANE Select); coding-DNA position 1963, C replaced by T.
Protein change: p.Arg655Trp; replaces arginine 655 with tryptophan.
Molecular consequence: missense variant.
Genome position (GRCh38, 1-based): chr12:57,575,697, C>T. VCF-style: chr12-57575697-C-T. GRCh37 (hg19) VCF-style: chr12-57969480-C-T.
Other names: c.1696C>T, p.Arg566Trp (NM_001354705.2); short protein forms R655W, R566W.
Identifiers: ClinVar variation 4739152 (VCV004739152.1).

ClinVar aggregate classification (germline): Uncertain significance (1 of 4 stars; one submission).

Conditions:
Spastic paraplegia. Identifiers: MedGen C0037772, HP:0001258.

gnomAD v4.1: 10 of 1,614,058 alleles (0.00062%); highest among the groups gnomAD compares: East Asian, 0.0022%; no homozygotes.

Submission:

Labcorp Genetics (formerly Invitae), Labcorp
Classification: Uncertain significance for Spastic paraplegia. Last evaluated: 2025-02-27. Review status: criteria provided, single submitter. Criteria: Invitae Variant Classification Sherloc (09022015). Collection method: clinical testing. Allele origin: germline.
Comment: This sequence change replaces arginine, which is basic and polar, with tryptophan, which is neutral and slightly polar, at codon 655 of the KIF5A protein (p.Arg655Trp). This variant is not present in population databases (gnomAD no frequency). This variant has not been reported in the literature in individuals affected with KIF5A-related conditions. Invitae Evidence Modeling of protein sequence and biophysical properties (such as structural, functional, and spatial information, amino acid conservation, physicochemical variation, residue mobility, and thermodynamic stability) has been performed for this missense variant. However, the output from this modeling did not meet the statistical confidence thresholds required to predict the impact of this variant on KIF5A protein function. In summary, the available evidence is currently insufficient to determine the role of this variant in disease. Therefore, it has been classified as a Variant of Uncertain Significance.